The following is an entry in ClinVar:

ClinVar aggregate classification (germline): Uncertain significance (1 of 4 stars; one submission).

gnomAD v4.1: 1 of 1,533,066 alleles (0.000065%); highest among the groups gnomAD compares: Non-Finnish European, 0.000088%; no homozygotes.

Submission:

Ambry Genetics
Classification: Uncertain significance. Last evaluated: 2025-06-15. Review status: criteria provided, single submitter. Criteria: Ambry Variant Classification Scheme 2023. Collection method: clinical testing. Allele origin: germline.
Comment: The p.E1756G variant (also known as c.5267A>G), located in coding exon 22 of the WNK2 gene, results from an A to G substitution at nucleotide position 5267. The glutamic acid at codon 1756 is replaced by glycine, an amino acid with similar properties. This amino acid position is conserved. In addition, the in silico prediction for this alteration is inconclusive. Based on the available evidence, the clinical significance of this variant remains unclear.

NM_006648.4(WNK2):c.5267A>G (p.Glu1756Gly)

Gene: WNK2 (WNK lysine deficient protein kinase 2; plus strand). Cytogenetic location: 9q22.31.
Variant type: single nucleotide variant.
Coding change: c.5267A>G on transcript NM_006648.4 (MANE Select); coding-DNA position 5267, A replaced by G.
Protein change: p.Glu1756Gly; replaces glutamic acid 1756 with glycine.
Molecular consequence: missense variant.
Genome position (GRCh38, 1-based): chr9:93,292,732, A>G. VCF-style: chr9-93292732-A-G. GRCh37 (hg19) VCF-style: chr9-96055014-A-G.
Other names: c.5378A>G, p.Glu1793Gly (NM_001282394.3); short protein forms E1756G, E1793G.
Identifiers: ClinVar variation 4201505 (VCV004201505.1).